The following is an entry in ClinVar:

ClinVar aggregate classification (germline): Uncertain significance. Review status: criteria provided, multiple submitters, no conflicts (2 of 4 stars). 5 submissions from 5 submitters: Uncertain significance (4). 1 of the submissions does not count toward it. Last evaluated 2025-06-13.

Conditions:
Very long chain acyl-CoA dehydrogenase deficiency (ACADVLD). Also called: VLCAD Deficiency; Very Long-Chain Acyl-Coenzyme A Dehydrogenase Deficiency. Identifiers: Orphanet 26793, MedGen C3887523, MONDO:0008723, OMIM 201475.

Allele frequency attached by ClinVar (database versions not stated): ExAC 0.00002; gnomAD exomes 0.00006 and 0.00014; TOPMed 0.00006; gnomAD 0.00009.
gnomAD v4.1: 220 of 1,613,884 alleles (0.014%); highest among the groups gnomAD compares: Non-Finnish European, 0.018%; no homozygotes.

Submissions (5):

Clinical Genomics Laboratory, Washington University in St. Louis
Classification: Uncertain significance for Very long chain acyl-CoA dehydrogenase deficiency. Last evaluated: 2025-06-13. Review status: criteria provided, single submitter. Criteria: ACMG Guidelines, 2015. Collection method: clinical testing. Allele origin: germline.
Comment: The ACADVL c.1005C>A (p.His335Gln) variant has been reported as a heterozygous variant in a patient with exertional heat illness but has not been identified in individuals with cardiac phenotypes (Gardner L et al., PMID: 32054689). This variant has been reported in the ClinVar database as a germline variant of uncertain significance by several submitters (ClinVar ID 324992). This variant is observed on 18/282,684 alleles in the general population (gnomAD v2.1.1). Computational predictors are uncertain as to the impact of this variant on ACADVL function. Due to limited information, and based on ACMG/AMP guidelines for variant interpretation (Richards S et al., PMID: 25741868), the clinical significance of this variant is uncertain at this time.

Labcorp Genetics (formerly Invitae), Labcorp
Classification: Uncertain significance for Very long chain acyl-CoA dehydrogenase deficiency. Last evaluated: 2022-09-26. Review status: criteria provided, single submitter. Criteria: Invitae Variant Classification Sherloc (09022015). Collection method: clinical testing. Allele origin: germline.
Comment: This sequence change replaces histidine, which is basic and polar, with glutamine, which is neutral and polar, at codon 335 of the ACADVL protein (p.His335Gln). This variant is present in population databases (rs753624994, gnomAD 0.01%). This variant has not been reported in the literature in individuals affected with ACADVL-related conditions. ClinVar contains an entry for this variant (Variation ID: 324992). Advanced modeling of protein sequence and biophysical properties (such as structural, functional, and spatial information, amino acid conservation, physicochemical variation, residue mobility, and thermodynamic stability) has been performed at Invitae for this missense variant, however the output from this modeling did not meet the statistical confidence thresholds required to predict the impact of this variant on ACADVL protein function. In summary, the available evidence is currently insufficient to determine the role of this variant in disease. Therefore, it has been classified as a Variant of Uncertain Significance.

GeneDx
Classification: Uncertain significance. Last evaluated: 2020-05-28. Review status: criteria provided, single submitter. Criteria: GeneDx Variant Classification Process June 2021. Collection method: clinical testing. Allele origin: germline. Affected: yes.
Comment: Reported in an individual being evaluated for exertional heat illness and classified as benign by the authors (Gardner et al., 2020); In silico analysis supports that this missense variant does not alter protein structure/function; Not observed at a significant frequency in large population cohorts (Lek et al., 2016); This variant is associated with the following publications: (PMID: 32054689)

Illumina Laboratory Services, Illumina
Classification: Uncertain significance for Very long chain acyl-CoA dehydrogenase deficiency. Last evaluated: 2018-01-13. Review status: criteria provided, single submitter. Criteria: ICSL Variant Classification Criteria 13 December 2019. Collection method: clinical testing. Allele origin: germline.

Natera, Inc.
Classification: Uncertain significance for Very long chain acyl-CoA dehydrogenase deficiency. Last evaluated: 2020-09-16. Review status: no assertion criteria provided. Collection method: clinical testing. Allele origin: germline. Not counted in ClinVar's aggregate classification.

NM_000018.4(ACADVL):c.1005C>A (p.His335Gln)

Gene: ACADVL (acyl-CoA dehydrogenase very long chain; plus strand). Cytogenetic location: 17p13.1.
Variant type: single nucleotide variant.
Coding change: c.1005C>A on transcript NM_000018.4 (MANE Select); coding-DNA position 1005, C replaced by A.
Protein change: p.His335Gln; replaces histidine 335 with glutamine.
Molecular consequence: missense variant.
Genome position (GRCh38, 1-based): chr17:7,222,793, C>A. VCF-style: chr17-7222793-C-A. GRCh37 (hg19) VCF-style: chr17-7126112-C-A.
Other names: c.939C>A, p.His313Gln (NM_001033859.3); c.1074C>A, p.His358Gln (NM_001270447.2); c.777C>A, p.His259Gln (NM_001270448.2); short protein forms H335Q, H313Q, H358Q, H259Q.
Identifiers: ClinVar variation 324992 (VCV000324992.11), dbSNP rs753624994, ClinGen allele CA8337925.